The following is an entry in ClinVar:

NM_006231.4(POLE):c.5960_5961delinsAT (p.Pro1987His)

Gene: POLE (DNA polymerase epsilon, catalytic subunit; minus strand). Cytogenetic location: 12q24.33.
Variant type: Indel.
Coding change: c.5960_5961delinsAT on transcript NM_006231.4 (MANE Select); coding-DNA positions 5960 to 5961, CA replaced by AT.
Protein change: p.Pro1987His; replaces proline 1987 with histidine.
Molecular consequence: missense variant.
Genome position (GRCh38, 1-based): chr12:132,634,229-132,634,230, TG replaced by AT on the plus strand (CA replaced by AT on the coding strand, the reverse complement: POLE is on the minus strand). VCF-style: chr12-132634229-TG-AT. GRCh37 (hg19) VCF-style: chr12-133210815-TG-AT.
Other names: short protein forms P1987H.
Identifiers: ClinVar variation 1398068 (VCV001398068.6), dbSNP rs2138473592, ClinGen allele CA2573148276.
Genomic context (GRCh38, chr12:132,634,229, plus strand): 5'-CTGGGCTCTGGGCTTACCTGAAACAATCATGAGGAAGTAGTTCTGGCAGGAGGCTGCCTG[TG>AT]GCAAAAACTGCAAAATGTTCCAGTTGTTTTCCAGTAAATCCTCCACGTTGGATTCCTCCG-3'
Protein context (NP_006222.2, residues 1977-1997): ENNWNILQFL[Pro1987His]QAASCQNYFL

ClinVar aggregate classification (germline): Uncertain significance (1 of 4 stars; one submission).

Submission:

Labcorp Genetics (formerly Invitae), Labcorp
Classification: Uncertain significance. Last evaluated: 2021-07-31. Review status: criteria provided, single submitter. Criteria: Invitae Variant Classification Sherloc (09022015). Collection method: clinical testing. Allele origin: germline.
Comment: In summary, the available evidence is currently insufficient to determine the role of this variant in disease. Therefore, it has been classified as a Variant of Uncertain Significance. Algorithms developed to predict the effect of missense changes on protein structure and function are either unavailable or do not agree on the potential impact of this missense change (SIFT: "Not Available"; PolyPhen-2: "Probably Damaging"; Align-GVGD: "Not Available"). This variant has not been reported in the literature in individuals affected with POLE-related conditions. The frequency data for this variant in the population databases is not available, as this variant may be reported as separate entries in the ExAC database. This sequence change replaces proline with histidine at codon 1987 of the POLE protein (p.Pro1987His). The proline residue is highly conserved and there is a small physicochemical difference between proline and histidine.